The following is an entry in ClinVar:

ClinVar aggregate classification (germline): Likely benign. Review status: criteria provided, multiple submitters, no conflicts (2 of 4 stars). 2 submissions from 2 submitters: Likely benign (2). Last evaluated 2020-05-18.

Allele frequency attached by ClinVar (database versions not stated): 1000 Genomes Project 0.00080; 1000 Genomes Project 30x 0.00094; TOPMed 0.00116; ESP Exome Variant Server 0.00121.
gnomAD v4.1: 295 of 1,613,734 alleles (0.018%); highest among the groups gnomAD compares: African/African-American, 0.36%; no homozygotes.

Submissions (2):

GeneDx
Classification: Likely benign. Last evaluated: 2020-05-18. Review status: criteria provided, single submitter. Criteria: GeneDx Variant Classification Process June 2021. Collection method: clinical testing. Allele origin: germline. Affected: yes.

Laboratory for Molecular Medicine, Mass General Brigham Personalized Medicine
Classification: Likely benign. Last evaluated: 2014-11-24. Review status: criteria provided, single submitter. Criteria: LMM Criteria. Collection method: clinical testing. Allele origin: germline. Observed: 1 variant allele.
Comment: *4C>A in exon 7 of CEACAM16: This variant is not expected to have clinical signi ficance because it has been identified in 0.4% (15/4032) of African American chr omosomes from a broad population by the NHLBI Exome Sequencing Project.

NM_001039213.4(CEACAM16):c.*4C>A

Genes: CEACAM16 (CEA cell adhesion molecule 16, tectorial membrane component; plus strand), CEACAM16-AS1 (CEACAM16, CEACAM19 and PVR antisense RNA 1; minus strand). Cytogenetic location: 19q13.32.
Variant type: single nucleotide variant.
Coding change: c.*4C>A on transcript NM_001039213.4 (MANE Select); 4 bases downstream of the stop codon, C replaced by A.
Molecular consequence: 3 prime UTR variant.
Genome position (GRCh38, 1-based): chr19:44,710,510, C>A. VCF-style: chr19-44710510-C-A. GRCh37 (hg19) VCF-style: chr19-45213782-C-A.
Identifiers: ClinVar variation 666668 (VCV000666668.6), dbSNP rs199656542, ClinGen allele CA9503288.